The following is an entry in ClinVar:

NM_032444.4(SLX4):c.890A>G (p.Gln297Arg)

Gene: SLX4 (SLX4 structure-specific endonuclease subunit; minus strand). Cytogenetic location: 16p13.3.
Variant type: single nucleotide variant.
Coding change: c.890A>G on transcript NM_032444.4 (MANE Select); coding-DNA position 890, A replaced by G.
Protein change: p.Gln297Arg; replaces glutamine 297 with arginine.
Molecular consequence: missense variant.
Genome position (GRCh38, 1-based): chr16:3,602,178, T>C on the plus strand (A>G on the coding strand, the complement: SLX4 is on the minus strand). VCF-style: chr16-3602178-T-C. GRCh37 (hg19) VCF-style: chr16-3652179-T-C.
Other names: c.890A>G (LRG_503t1); short protein forms Q297R.
Identifiers: ClinVar variation 319182 (VCV000319182.8), dbSNP rs778643553, ClinGen allele CA10647458.

ClinVar aggregate classification (germline): Uncertain significance. Review status: criteria provided, multiple submitters, no conflicts (2 of 4 stars). 2 submissions from 2 submitters: Uncertain significance (2). Last evaluated 2022-12-16.

Conditions:
Fanconi anemia complementation group P. Also called: SLX4-Related Fanconi Anemia. Identifiers: Orphanet 84, MedGen C3469542, MONDO:0013499, OMIM 613951.
Fanconi anemia (FA). Also called: Fanconi's anemia. Identifiers: Orphanet 84, MedGen C0015625, MeSH D005199, MONDO:0019391.

Allele frequency attached by ClinVar (database versions not stated): gnomAD 0.00001; gnomAD exomes 0.00001; TOPMed 0.00002.
gnomAD v4.1: 20 of 1,614,086 alleles (0.0012%); highest among the groups gnomAD compares: Non-Finnish European, 0.0017%; no homozygotes.

Submissions (2):

Labcorp Genetics (formerly Invitae), Labcorp
Classification: Uncertain significance for Fanconi anemia. Last evaluated: 2022-12-16. Review status: criteria provided, single submitter. Criteria: Invitae Variant Classification Sherloc (09022015). Collection method: clinical testing. Allele origin: germline.
Comment: In summary, the available evidence is currently insufficient to determine the role of this variant in disease. Therefore, it has been classified as a Variant of Uncertain Significance. Algorithms developed to predict the effect of sequence changes on RNA splicing suggest that this variant may create or strengthen a splice site. Algorithms developed to predict the effect of missense changes on protein structure and function are either unavailable or do not agree on the potential impact of this missense change (SIFT: "Deleterious"; PolyPhen-2: "Probably Damaging"; Align-GVGD: "Class C0"). ClinVar contains an entry for this variant (Variation ID: 319182). This variant has not been reported in the literature in individuals affected with SLX4-related conditions. This variant is not present in population databases (gnomAD no frequency). This sequence change replaces glutamine, which is neutral and polar, with arginine, which is basic and polar, at codon 297 of the SLX4 protein (p.Gln297Arg).

Illumina Laboratory Services, Illumina
Classification: Uncertain significance for Fanconi anemia complementation group P. Last evaluated: 2018-01-13. Review status: criteria provided, single submitter. Criteria: ICSL Variant Classification Criteria 13 December 2019. Collection method: clinical testing. Allele origin: germline.